The following is an entry in ClinVar:

NM_000444.6(PHEX):c.216_217insGG (p.Ser73fs)

Gene: PHEX (phosphate regulating endopeptidase X-linked; plus strand). Cytogenetic location: Xp22.11.
Variant type: Insertion.
Coding change: c.216_217insGG on transcript NM_000444.6 (MANE Select); coding-DNA positions 216 to 217, GG inserted.
Protein change: p.Ser73fs; shifts the reading frame from serine 73.
Molecular consequence: frameshift variant.
Genome position: GRCh38 VCF-style: chrX-22047077-T-TGG. GRCh37 (hg19) VCF-style: chrX-22065195-T-TGG.
Other names: c.216_217insGG, p.Ser73fs (NM_001282754.2); short protein forms S73fs.
Identifiers: ClinVar variation 4853983 (VCV004853983.1).

ClinVar aggregate classification (germline): Likely pathogenic (1 of 4 stars; one submission).

Conditions:
Familial X-linked hypophosphatemic vitamin D refractory rickets (XLHRD). Also called: Hypophosphatemic Rickets, X-Linked Dominant; X-Linked Hypophosphatemia; HYPOPHOSPHATEMIC VITAMIN D-RESISTANT RICKETS; Hypophosphatemia, vitamin D-resistant rickets; Vitamin D-resistant rickets, X-linked. Identifiers: Orphanet 89936, MedGen C0733682, MONDO:0010619, OMIM 307800.

Submission:

3billion
Classification: Likely pathogenic for Familial X-linked hypophosphatemic vitamin D refractory rickets. Last evaluated: 2025-11-29. Review status: criteria provided, single submitter. Criteria: ACMG Guidelines, 2015. Collection method: clinical testing. Allele origin: germline. Affected: yes.
Comment: The variant is not observed in the gnomAD v4.1.0 dataset. Predicted Consequence/Location: Frameshift: predicted to result in a loss or disruption of normal protein function through nonsense-mediated decay (NMD) or protein truncation. Multiple pathogenic variants are reported downstream of the variant. Therefore, this variant is classified as Likely pathogenic according to the recommendation of ACMG/AMP guideline.